The following is an entry in ClinVar:

NM_001172509.2(SATB2):c.773T>C (p.Met258Thr)

Gene: SATB2 (SATB homeobox 2; minus strand). Cytogenetic location: 2q33.1.
Variant type: single nucleotide variant.
Coding change: c.773T>C on transcript NM_001172509.2 (MANE Select); coding-DNA position 773, T replaced by C.
Protein change: p.Met258Thr; replaces methionine 258 with threonine.
Molecular consequence: missense variant.
Genome position (GRCh38, 1-based): chr2:199,349,101, A>G on the plus strand (T>C on the coding strand, the complement: SATB2 is on the minus strand). VCF-style: chr2-199349101-A-G. GRCh37 (hg19) VCF-style: chr2-200213824-A-G.
Other names: c.773T>C, p.Met258Thr (NM_001172517.1, NM_015265.4); short protein forms M258T.
Identifiers: ClinVar variation 2100890 (VCV002100890.4), dbSNP rs2468897227, ClinGen allele CA350388171.

ClinVar aggregate classification (germline): Uncertain significance (1 of 4 stars; one submission).

Conditions:
Chromosome 2q32-q33 deletion syndrome (GLASS). Also called: Glass syndrome; 2q33.1 deletion syndrome. Identifiers: Orphanet 251019, MedGen C2676739, MONDO:0012864, OMIM 612313.

Allele frequency attached by ClinVar (database versions not stated): gnomAD exomes below 0.00001.
gnomAD v4.1: 2 of 1,614,052 alleles (0.00012%); highest among the groups gnomAD compares: South Asian, 0.0011%; no homozygotes.

Submission:

Labcorp Genetics (formerly Invitae), Labcorp
Classification: Uncertain significance for Chromosome 2q32-q33 deletion syndrome. Last evaluated: 2023-03-16. Review status: criteria provided, single submitter. Criteria: Invitae Variant Classification Sherloc (09022015). Collection method: clinical testing. Allele origin: germline.
Comment: In summary, the available evidence is currently insufficient to determine the role of this variant in disease. Therefore, it has been classified as a Variant of Uncertain Significance. Advanced modeling of protein sequence and biophysical properties (such as structural, functional, and spatial information, amino acid conservation, physicochemical variation, residue mobility, and thermodynamic stability) performed at Invitae indicates that this missense variant is not expected to disrupt SATB2 protein function. ClinVar contains an entry for this variant (Variation ID: 2100890). This variant has not been reported in the literature in individuals affected with SATB2-related conditions. This variant is not present in population databases (gnomAD no frequency). This sequence change replaces methionine, which is neutral and non-polar, with threonine, which is neutral and polar, at codon 258 of the SATB2 protein (p.Met258Thr).